The following is an entry in ClinVar:

ClinVar aggregate classification (germline): Uncertain significance (1 of 4 stars; one submission).

Conditions:
Cardiovascular phenotype. Identifiers: MedGen CN230736.
Hereditary cancer-predisposing syndrome. Also called: Neoplastic Syndromes, Hereditary; Tumor predisposition; Hereditary neoplastic syndrome; Hereditary Cancer Syndrome. Identifiers: Orphanet 140162, MedGen C0027672, MeSH D009386, MONDO:0015356.

Submission:

Ambry Genetics
Classification: Uncertain significance for Cardiovascular phenotype; Hereditary cancer-predisposing syndrome. Last evaluated: 2025-05-19. Review status: criteria provided, single submitter. Criteria: Ambry Variant Classification Scheme 2023. Collection method: clinical testing. Allele origin: germline.
Comment: The p.V2025D variant (also known as c.6074T>A), located in coding exon 40 of the NF1 gene, results from a T to A substitution at nucleotide position 6074. The valine at codon 2025 is replaced by aspartic acid, an amino acid with highly dissimilar properties. This amino acid position is conserved. In addition, this alteration is predicted to be deleterious by in silico analysis. Based on the available evidence, the clinical significance of this variant remains unclear.

NM_001042492.3(NF1):c.6137T>A (p.Val2046Asp)

Gene: NF1 (neurofibromin 1; plus strand). Cytogenetic location: 17q11.2.
Variant type: single nucleotide variant.
Coding change: c.6137T>A on transcript NM_001042492.3 (MANE Select); coding-DNA position 6137, T replaced by A.
Protein change: p.Val2046Asp; replaces valine 2046 with aspartic acid.
Molecular consequence: missense variant.
Genome position (GRCh38, 1-based): chr17:31,336,463, T>A. VCF-style: chr17-31336463-T-A. GRCh37 (hg19) VCF-style: chr17-29663481-T-A.
Other names: c.6074T>A, p.Val2025Asp (NM_000267.4); short protein forms V2046D, V2025D.
Identifiers: ClinVar variation 4031867 (VCV004031867.1).